The following is an entry in ClinVar:

NM_172364.5(CACNA2D4):c.1469C>T (p.Ala490Val)

Gene: CACNA2D4 (calcium voltage-gated channel auxiliary subunit alpha2delta 4; minus strand). Cytogenetic location: 12p13.33.
Variant type: single nucleotide variant.
Coding change: c.1469C>T on transcript NM_172364.5 (MANE Select); coding-DNA position 1469, C replaced by T.
Protein change: p.Ala490Val; replaces alanine 490 with valine.
Molecular consequence: missense variant.
Genome position (GRCh38, 1-based): chr12:1,882,883, G>A on the plus strand (C>T on the coding strand, the complement: CACNA2D4 is on the minus strand). VCF-style: chr12-1882883-G-A. GRCh37 (hg19) VCF-style: chr12-1992049-G-A.
Other names: short protein forms A490V.
Identifiers: ClinVar variation 2121732 (VCV002121732.4), dbSNP rs766705137, ClinGen allele CA6387126.

ClinVar aggregate classification (germline): Uncertain significance (1 of 4 stars; one submission).

Allele frequency attached by ClinVar (database versions not stated): TOPMed below 0.00001; ExAC 0.00001.
gnomAD v4.1: 1 of 1,613,856 alleles (0.000062%); no homozygotes.

Submission:

Labcorp Genetics (formerly Invitae), Labcorp
Classification: Uncertain significance. Last evaluated: 2022-10-05. Review status: criteria provided, single submitter. Criteria: Invitae Variant Classification Sherloc (09022015). Collection method: clinical testing. Allele origin: germline.
Comment: This sequence change replaces alanine, which is neutral and non-polar, with valine, which is neutral and non-polar, at codon 490 of the CACNA2D4 protein (p.Ala490Val). This variant is present in population databases (rs766705137, gnomAD no frequency). This variant has not been reported in the literature in individuals affected with CACNA2D4-related conditions. Algorithms developed to predict the effect of missense changes on protein structure and function are either unavailable or do not agree on the potential impact of this missense change (SIFT: "Deleterious"; PolyPhen-2: "Benign"; Align-GVGD: "Class C55"). In summary, the available evidence is currently insufficient to determine the role of this variant in disease. Therefore, it has been classified as a Variant of Uncertain Significance.